The following is an entry in ClinVar:

ClinVar aggregate classification (germline): Uncertain significance (1 of 4 stars; one submission).

Conditions:
Catecholaminergic polymorphic ventricular tachycardia (CVPT). Also called: Catecholamine-induced polymorphic ventricular tachycardia. Identifiers: Orphanet 3286, MedGen C5574922, MONDO:0017990.

Allele frequency attached by ClinVar (database versions not stated): gnomAD exomes below 0.00001.
gnomAD v4.1: 3 of 1,613,934 alleles (0.00019%); highest among the groups gnomAD compares: Non-Finnish European, 0.00025%; no homozygotes.

Submission:

All of Us Research Program, National Institutes of Health
Classification: Uncertain significance for Catecholaminergic polymorphic ventricular tachycardia. Last evaluated: 2023-10-06. Review status: criteria provided, single submitter. Criteria: ACMG Guidelines, 2015. Collection method: clinical testing. Allele origin: germline. Inheritance: Autosomal dominant inheritance. Observed: 1 variant allele, 1 heterozygote.
Comment: This variant changes 1 nucleotide in exon 38 of the RYR2 gene, creating a premature translation stop signal. This variant is expected to result in an absent or non-functional protein product. To our knowledge, this variant has not been reported in individuals affected with RYR2-related disorders in the literature. This variant has been identified in 1/248958 chromosomes in the general population by the Genome Aggregation Database (gnomAD). Clinical relevance of loss-of-function RYR2 truncation variants in autosomal dominant cardiovascular disorders is not clearly established. The available evidence is insufficient to determine the role of this variant in disease conclusively. Therefore, this variant is classified as a Variant of Uncertain Significance.

This study involves interpretation of variants in research participants for the purpose of population health screening. Participant phenotype was not available at the time of variant classification. Additional details can be found in publication PMID: 35346344, PMCID: PMC8962531

NM_001035.3(RYR2):c.5827C>T (p.Arg1943Ter)

Gene: RYR2 (ryanodine receptor 2; plus strand). Cytogenetic location: 1q43.
Variant type: single nucleotide variant.
Coding change: c.5827C>T on transcript NM_001035.3 (MANE Select); coding-DNA position 5827, C replaced by T.
Protein change: p.Arg1943Ter; replaces arginine 1943 with a stop codon.
Molecular consequence: nonsense.
Genome position (GRCh38, 1-based): chr1:237,617,397, C>T. VCF-style: chr1-237617397-C-T. GRCh37 (hg19) VCF-style: chr1-237780697-C-T.
Other names: short protein forms R1943*.
Identifiers: ClinVar variation 3073776 (VCV003073776.1), dbSNP rs1429505853, ClinGen allele CA345407167.